The following is an entry in ClinVar:

ClinVar aggregate classification (germline): Uncertain significance. Review status: criteria provided, multiple submitters, no conflicts (2 of 4 stars). 2 submissions from 2 submitters: Uncertain significance (2). Last evaluated 2024-01-12.

Allele frequency attached by ClinVar (database versions not stated): gnomAD exomes below 0.00001; ExAC 0.00001.
gnomAD v4.1: 3 of 1,614,122 alleles (0.00019%); highest among the groups gnomAD compares: Non-Finnish European, 0.00017%; no homozygotes.

Submissions (2):

GeneDx
Classification: Uncertain significance. Last evaluated: 2024-01-12. Review status: criteria provided, single submitter. Criteria: GeneDx Variant Classification Process June 2021. Collection method: clinical testing. Allele origin: germline. Affected: yes.
Comment: Not observed at significant frequency in large population cohorts (gnomAD); In silico analysis supports that this missense variant does not alter protein structure/function; Has not been previously published as pathogenic or benign to our knowledge

Labcorp Genetics (formerly Invitae), Labcorp
Classification: Uncertain significance. Last evaluated: 2023-12-21. Review status: criteria provided, single submitter. Criteria: Invitae Variant Classification Sherloc (09022015). Collection method: clinical testing. Allele origin: germline.
Comment: This sequence change replaces serine, which is neutral and polar, with glycine, which is neutral and non-polar, at codon 652 of the TOPORS protein (p.Ser652Gly). This variant is present in population databases (rs779481626, gnomAD 0.0009%). This variant has not been reported in the literature in individuals affected with TOPORS-related conditions. ClinVar contains an entry for this variant (Variation ID: 1487244). Experimental studies and prediction algorithms are not available or were not evaluated, and the functional significance of this variant is currently unknown. In summary, the available evidence is currently insufficient to determine the role of this variant in disease. Therefore, it has been classified as a Variant of Uncertain Significance.

NM_005802.5(TOPORS):c.1954A>G (p.Ser652Gly)

Gene: TOPORS (TOP1 binding arginine/serine rich protein, E3 ubiquitin ligase; minus strand). Cytogenetic location: 9p21.1.
Variant type: single nucleotide variant.
Coding change: c.1954A>G on transcript NM_005802.5 (MANE Select); coding-DNA position 1954, A replaced by G.
Protein change: p.Ser652Gly; replaces serine 652 with glycine.
Molecular consequence: missense variant.
Genome position (GRCh38, 1-based): chr9:32,542,571, T>C on the plus strand (A>G on the coding strand, the complement: TOPORS is on the minus strand). VCF-style: chr9-32542571-T-C. GRCh37 (hg19) VCF-style: chr9-32542569-T-C.
Other names: c.1954A>G (NM_005802.4); c.1759A>G, p.Ser587Gly (NM_001195622.2); short protein forms S652G, S587G.
Identifiers: ClinVar variation 1487244 (VCV001487244.9), dbSNP rs779481626, ClinGen allele CA5020439.